The following is an entry in ClinVar:

ClinVar aggregate classification (germline): Likely benign. Review status: criteria provided, multiple submitters, no conflicts (2 of 4 stars). 2 submissions from 2 submitters: Likely benign (2). Last evaluated 2017-09-05.

Allele frequency attached by ClinVar (database versions not stated): gnomAD exomes 0.00034 and 0.00088; ExAC 0.00112; gnomAD 0.00338 and 0.00353; TOPMed 0.00386; ESP Exome Variant Server 0.00408; 1000 Genomes Project 30x 0.00604; 1000 Genomes Project 0.00636.
gnomAD v4.1: 1,026 of 1,613,896 alleles (0.064%); highest among the groups gnomAD compares: African/African-American, 1.2%; 6 homozygotes.

Submissions (2):

Institute for Genomic Medicine (IGM) Clinical Laboratory, Nationwide Children's Hospital
Classification: Likely benign. Last evaluated: 2017-09-05. Review status: criteria provided, single submitter. Criteria: ACMG Guidelines, 2015. Collection method: clinical testing. Allele origin: germline.
Comment: BS3, BP4; This alteration was found through a well-established in vitro or in vivo functional study to shown no damaging effect on protein function or splicing, and is predicted to be tolerated by multiple functional prediction tools.

Breakthrough Genomics
Classification: Likely benign. Review status: criteria provided, single submitter. Criteria: ACMG Guidelines, 2015. Collection method: not provided. Allele origin: germline. Inheritance: Unknown mechanism. Affected: yes.

Literature cited by the submitters: PubMed 22775292 (cited by Institute for Genomic Medicine (IGM) Clinical Laboratory, Nationwide Children's Hospital); PubMed 1755466 (cited by Institute for Genomic Medicine (IGM) Clinical Laboratory, Nationwide Children's Hospital).

NM_001171038.2(ASMT):c.241A>G (p.Lys81Glu)

Gene: ASMT (acetylserotonin O-methyltransferase; plus strand). Cytogenetic location: Yp11.2.
Variant type: single nucleotide variant.
Coding change: c.241A>G on transcript NM_001171038.2 (MANE Select); coding-DNA position 241, A replaced by G.
Protein change: p.Lys81Glu; replaces lysine 81 with glutamic acid.
Molecular consequence: missense variant.
Genome position (GRCh38, 1-based): chrX:1,623,310, A>G. VCF-style: chrX-1623310-A-G. GRCh37 (hg19) VCF-style: chrX-1742203-A-G.
Other names: NM_004043.2:c.241A>G; c.241A>G, p.Lys81Glu (NM_001171039.1); short protein forms K81E.
Identifiers: ClinVar variation 599440 (VCV000599440.6), dbSNP rs117343570, ClinGen allele CA10334714.